The following is an entry in ClinVar:

NM_004994.3(MMP9):c.2081T>G (p.Val694Gly)

Genes: MMP9 (matrix metallopeptidase 9; plus strand), SLC12A5-AS1 (SLC12A5 and MMP9 antisense RNA 1; minus strand). Cytogenetic location: 20q13.12.
Variant type: single nucleotide variant.
Coding change: c.2081T>G on transcript NM_004994.3 (MANE Select); coding-DNA position 2081, T replaced by G.
Protein change: p.Val694Gly; replaces valine 694 with glycine.
Molecular consequence: missense variant.
Genome position (GRCh38, 1-based): chr20:46,016,325, T>G. VCF-style: chr20-46016325-T-G. GRCh37 (hg19) VCF-style: chr20-44644964-T-G.
Other names: short protein forms V694G.
Identifiers: ClinVar variation 4771816 (VCV004771816.1).

ClinVar aggregate classification (germline): Uncertain significance (1 of 4 stars; one submission).

gnomAD v4.1: 2 of 1,614,198 alleles (0.00012%); highest among the groups gnomAD compares: South Asian, 0.0011%; no homozygotes.

Submission:

Labcorp Genetics (formerly Invitae), Labcorp
Classification: Uncertain significance. Last evaluated: 2025-03-22. Review status: criteria provided, single submitter. Criteria: Invitae Variant Classification Sherloc (09022015). Collection method: clinical testing. Allele origin: germline.
Comment: This sequence change replaces valine, which is neutral and non-polar, with glycine, which is neutral and non-polar, at codon 694 of the MMP9 protein (p.Val694Gly). This variant is not present in population databases (gnomAD no frequency). This variant has not been reported in the literature in individuals affected with MMP9-related conditions. Invitae Evidence Modeling of protein sequence and biophysical properties (such as structural, functional, and spatial information, amino acid conservation, physicochemical variation, residue mobility, and thermodynamic stability) indicates that this missense variant is not expected to disrupt MMP9 protein function with a negative predictive value of 80%. In summary, the available evidence is currently insufficient to determine the role of this variant in disease. Therefore, it has been classified as a Variant of Uncertain Significance.